The following is an entry in ClinVar:

NM_001089.3(ABCA3):c.4214C>A (p.Ala1405Glu)

Gene: ABCA3 (ATP binding cassette subfamily A member 3; minus strand). Cytogenetic location: 16p13.3.
Variant type: single nucleotide variant.
Coding change: c.4214C>A on transcript NM_001089.3 (MANE Select); coding-DNA position 4214, C replaced by A.
Protein change: p.Ala1405Glu; replaces alanine 1405 with glutamic acid.
Molecular consequence: missense variant.
Genome position (GRCh38, 1-based): chr16:2,281,172, G>T on the plus strand (C>A on the coding strand, the complement: ABCA3 is on the minus strand). VCF-style: chr16-2281172-G-T. GRCh37 (hg19) VCF-style: chr16-2331173-G-T.
Other names: short protein forms A1405E.
Identifiers: ClinVar variation 1738771 (VCV001738771.2), dbSNP rs149559041, ClinGen allele CA7840199.

ClinVar aggregate classification (germline): Uncertain significance (1 of 4 stars; one submission).

Conditions:
Hereditary pulmonary alveolar proteinosis. Also called: Pulmonary surfactant metabolism dysfunction. Identifiers: Orphanet 264675, MedGen C3711368, MONDO:0012580.

gnomAD v4.1: 2 of 1,613,664 alleles (0.00012%); highest among the groups gnomAD compares: South Asian, 0.0011%; no homozygotes.

Submission:

Ambry Genetics
Classification: Uncertain significance for Hereditary pulmonary alveolar proteinosis. Last evaluated: 2022-03-07. Review status: criteria provided, single submitter. Criteria: Ambry Variant Classification Scheme 2023. Collection method: clinical testing. Allele origin: germline.
Comment: The p.A1405E variant (also known as c.4214C>A), located in coding exon 25 of the ABCA3 gene, results from a C to A substitution at nucleotide position 4214. The alanine at codon 1405 is replaced by glutamic acid, an amino acid with dissimilar properties. This amino acid position is conserved. In addition, the in silico prediction for this alteration is inconclusive. Since supporting evidence is limited at this time, the clinical significance of this alteration remains unclear.